The following is an entry in ClinVar:

ClinVar aggregate classification (germline): Uncertain significance (1 of 4 stars; one submission).

Allele frequency attached by ClinVar (database versions not stated): TOPMed below 0.00001.
gnomAD v4.1: 2 of 1,614,152 alleles (0.00012%); highest among the groups gnomAD compares: Non-Finnish European, 0.00017%; no homozygotes.

Submission:

Ambry Genetics
Classification: Uncertain significance. Last evaluated: 2022-09-02. Review status: criteria provided, single submitter. Criteria: Ambry Variant Classification Scheme 2023. Collection method: clinical testing. Allele origin: germline.
Comment: The p.R281S variant (also known as c.843G>C), located in coding exon 5 of the G6PC gene, results from a G to C substitution at nucleotide position 843. The arginine at codon 281 is replaced by serine, an amino acid with dissimilar properties. This amino acid position is conserved. In addition, this alteration is predicted to be tolerated by in silico analysis. Since supporting evidence is limited at this time, the clinical significance of this alteration remains unclear.

NM_000151.4(G6PC1):c.843G>C (p.Arg281Ser)

Gene: G6PC1 (glucose-6-phosphatase catalytic subunit 1; plus strand). Cytogenetic location: 17q21.31.
Variant type: single nucleotide variant.
Coding change: c.843G>C on transcript NM_000151.4 (MANE Select); coding-DNA position 843, G replaced by C.
Protein change: p.Arg281Ser; replaces arginine 281 with serine.
Molecular consequence: missense variant. On other transcripts: 3 prime UTR variant (1).
Genome position (GRCh38, 1-based): chr17:42,911,195, G>C. VCF-style: chr17-42911195-G-C. GRCh37 (hg19) VCF-style: chr17-41063212-G-C.
Other names: c.*235G>C (NM_001270397.2); short protein forms R281S.
Identifiers: ClinVar variation 1799947 (VCV001799947.2), dbSNP rs2056093449, ClinGen allele CA399656562.
Genomic context (GRCh38, chr17:42,911,195, plus strand): 5'-CCTCAAGAACCTGGGCACGCTCTTTGGCCTGGGGCTGGCTCTCAACTCCAGCATGTACAG[G>C]GAGAGCTGCAAGGGGAAACTCAGCAAGTGGCTCCCATTCCGCCTCAGCTCTATTGTAGCC-3'
Protein context (NP_000142.2, residues 271-291): LGLALNSSMY[Arg281Ser]ESCKGKLSKW